The following is an entry in ClinVar:

ClinVar aggregate classification (germline): Uncertain significance (1 of 4 stars; one submission).

Allele frequency attached by ClinVar (database versions not stated): gnomAD exomes below 0.00001 and 0.00001.
gnomAD v4.1: 1 of 1,205,236 alleles (0.000083%); highest among the groups gnomAD compares: Non-Finnish European, 0.00011%; no homozygotes.

Submission:

Labcorp Genetics (formerly Invitae), Labcorp
Classification: Uncertain significance. Last evaluated: 2022-10-24. Review status: criteria provided, single submitter. Criteria: Invitae Variant Classification Sherloc (09022015). Collection method: clinical testing. Allele origin: germline.
Comment: In summary, the available evidence is currently insufficient to determine the role of this variant in disease. Therefore, it has been classified as a Variant of Uncertain Significance. Advanced modeling of protein sequence and biophysical properties (such as structural, functional, and spatial information, amino acid conservation, physicochemical variation, residue mobility, and thermodynamic stability) performed at Invitae indicates that this missense variant is not expected to disrupt PGK1 protein function. ClinVar contains an entry for this variant (Variation ID: 1393929). This variant has not been reported in the literature in individuals affected with PGK1-related conditions. This variant is present in population databases (no rsID available, gnomAD 0.001%), including at least one homozygous and/or hemizygous individual. This sequence change replaces isoleucine, which is neutral and non-polar, with valine, which is neutral and non-polar, at codon 371 of the PGK1 protein (p.Ile371Val).

NM_000291.4(PGK1):c.1111A>G (p.Ile371Val)

Gene: PGK1 (phosphoglycerate kinase 1; plus strand). Cytogenetic location: Xq21.1.
Variant type: single nucleotide variant.
Coding change: c.1111A>G on transcript NM_000291.4 (MANE Select); coding-DNA position 1111, A replaced by G.
Protein change: p.Ile371Val; replaces isoleucine 371 with valine.
Molecular consequence: missense variant.
Genome position (GRCh38, 1-based): chrX:78,125,048, A>G. VCF-style: chrX-78125048-A-G. GRCh37 (hg19) VCF-style: chrX-77380545-A-G.
Other names: short protein forms I371V.
Identifiers: ClinVar variation 1393929 (VCV001393929.8), dbSNP rs1557248513, ClinGen allele CA413718135.